The following is an entry in ClinVar:

ClinVar aggregate classification (germline): Pathogenic (1 of 4 stars; one submission).

Conditions:
Retinitis pigmentosa 25 (RP25). Identifiers: Orphanet 791, MedGen C1864446, MONDO:0011272, OMIM 602772.

gnomAD v4.1: 1 of 1,546,012 alleles (0.000065%); no homozygotes.

Submission:

Ocular Genomics Institute, Massachusetts Eye and Ear
Classification: Pathogenic for Retinitis pigmentosa 25. Last evaluated: 2021-04-08. Review status: criteria provided, single submitter. Criteria: ACMG Guidelines, 2015. Collection method: research. Allele origin: germline. Affected: yes.
Comment: Through a review of available evidence we were able to apply the following criteria: PVS1, PM2, PM3. Based on this evidence we have classified this variant as Pathogenic.

NM_001142800.2(EYS):c.2461G>T (p.Gly821Ter)

Gene: EYS (eyes shut homolog; minus strand). Cytogenetic location: 6q12.
Variant type: single nucleotide variant.
Coding change: c.2461G>T on transcript NM_001142800.2 (MANE Select); coding-DNA position 2461, G replaced by T.
Protein change: p.Gly821Ter; replaces glycine 821 with a stop codon.
Molecular consequence: nonsense.
Genome position (GRCh38, 1-based): chr6:64,912,664, C>A on the plus strand (G>T on the coding strand, the complement: EYS is on the minus strand). VCF-style: chr6-64912664-C-A. GRCh37 (hg19) VCF-style: chr6-65622557-C-A.
Other names: c.2461G>T, p.Gly821Ter (NM_001292009.2); short protein forms G821*.
Identifiers: ClinVar variation 1065702 (VCV001065702.1), dbSNP rs2150076887, ClinGen allele CA364786463.
Genomic context (GRCh38, chr6:64,912,664, plus strand): 5'-AAAGGGGTGGGCACAGACATACAAATTGTCCAGGGATGGTAGATTCATGACAAAGACCTC[C>A]ATTCATGCATGGATCAGAGTCGCATTCATTTATTTCTTCACTACAGTTCTGTCCAGTCCA-3'